The following is an entry in ClinVar:

NM_015650.4(TRAF3IP1):c.192+1G>C

Gene: TRAF3IP1 (TRAF3 interacting protein 1; plus strand). Cytogenetic location: 2q37.3.
Variant type: single nucleotide variant.
Coding change: c.192+1G>C on transcript NM_015650.4 (MANE Select); the canonical splice donor site of the intron after coding-DNA position 192, G replaced by C.
Molecular consequence: splice donor variant.
Genome position (GRCh38, 1-based): chr2:238,325,375, G>C. VCF-style: chr2-238325375-G-C. GRCh37 (hg19) VCF-style: chr2-239234016-G-C.
Other names: c.192+1G>C (NM_001139490.1).
Identifiers: ClinVar variation 1035683 (VCV001035683.7), dbSNP rs1697771953, ClinGen allele CA351241489.

ClinVar aggregate classification (germline): Likely pathogenic (1 of 4 stars; one submission).

Allele frequency attached by ClinVar (database versions not stated): TOPMed below 0.00001; gnomAD 0.00001.
gnomAD v4.1: 1 of 1,614,040 alleles (0.000062%); highest among the groups gnomAD compares: Non-Finnish European, 0.000085%; no homozygotes.

Submission:

Labcorp Genetics (formerly Invitae), Labcorp
Classification: Likely pathogenic. Last evaluated: 2021-12-29. Review status: criteria provided, single submitter. Criteria: Invitae Variant Classification Sherloc (09022015). Collection method: clinical testing. Allele origin: germline.
Comment: Algorithms developed to predict the effect of sequence changes on RNA splicing suggest that this variant may disrupt the consensus splice site. This sequence change affects a donor splice site in intron 2 of the TRAF3IP1 gene. It is expected to disrupt RNA splicing. Variants that disrupt the donor or acceptor splice site typically lead to a loss of protein function (PMID: 16199547), and loss-of-function variants in TRAF3IP1 are known to be pathogenic (PMID: 21945076, 26487268). This variant is not present in population databases (gnomAD no frequency). This variant has not been reported in the literature in individuals affected with TRAF3IP1-related conditions. ClinVar contains an entry for this variant (Variation ID: 1035683). In summary, the currently available evidence indicates that the variant is pathogenic, but additional data are needed to prove that conclusively. Therefore, this variant has been classified as Likely Pathogenic.

Literature cited by the submitters: PubMed 16199547; PubMed 21945076; PubMed 26487268.